The following is an entry in ClinVar:

ClinVar aggregate classification (germline): Uncertain significance (1 of 4 stars; one submission).

Conditions:
Cardiovascular phenotype. Identifiers: MedGen CN230736.

Allele frequency attached by ClinVar (database versions not stated): gnomAD exomes below 0.00001; ExAC 0.00001.
gnomAD v4.1: 1 of 1,613,116 alleles (0.000062%); highest among the groups gnomAD compares: Admixed American, 0.0017%; no homozygotes.

Submission:

Ambry Genetics
Classification: Uncertain significance for Cardiovascular phenotype. Last evaluated: 2021-10-12. Review status: criteria provided, single submitter. Criteria: Ambry Variant Classification Scheme 2023. Collection method: clinical testing. Allele origin: germline.
Comment: The p.V1713D variant (also known as c.5138T>A), located in coding exon 36 of the LAMA4 gene, results from a T to A substitution at nucleotide position 5138. The valine at codon 1713 is replaced by aspartic acid, an amino acid with highly dissimilar properties. This amino acid position is conserved. In addition, this alteration is predicted to be deleterious by in silico analysis. Since supporting evidence is limited at this time, the clinical significance of this alteration remains unclear.

NM_001105206.3(LAMA4):c.5159T>A (p.Val1720Asp)

Gene: LAMA4 (laminin subunit alpha 4; minus strand). Cytogenetic location: 6q21.
Variant type: single nucleotide variant.
Coding change: c.5159T>A on transcript NM_001105206.3 (MANE Select); coding-DNA position 5159, T replaced by A.
Protein change: p.Val1720Asp; replaces valine 1720 with aspartic acid.
Molecular consequence: missense variant.
Genome position (GRCh38, 1-based): chr6:112,114,710, A>T on the plus strand (T>A on the coding strand, the complement: LAMA4 is on the minus strand). VCF-style: chr6-112114710-A-T. GRCh37 (hg19) VCF-style: chr6-112435913-A-T.
Other names: c.5138T>A, p.Val1713Asp (NM_001105207.3, NM_002290.5); short protein forms V1713D, V1720D.
Identifiers: ClinVar variation 1745582 (VCV001745582.2), dbSNP rs782270833, ClinGen allele CA3964801.